The following is an entry in ClinVar:

NM_001379081.2(FREM1):c.4563C>A (p.Ala1521=)

Gene: FREM1 (FRAS1 related extracellular matrix 1; minus strand). Cytogenetic location: 9p22.3.
Variant type: single nucleotide variant.
Coding change: c.4563C>A on transcript NM_001379081.2 (MANE Select); coding-DNA position 4563, C replaced by A.
Protein change: p.Ala1521=; no amino-acid change (alanine 1521 retained).
Molecular consequence: synonymous variant. On other transcripts: non-coding transcript variant (2).
Genome position (GRCh38, 1-based): chr9:14,776,083, G>T on the plus strand (C>A on the coding strand, the complement: FREM1 is on the minus strand). VCF-style: chr9-14776083-G-T. GRCh37 (hg19) VCF-style: chr9-14776081-G-T.
Other names: c.171C>A, p.Ala57= (NM_001177704.3, NM_001370058.2, NM_001370061.2); c.4563C>A, p.Ala1521= (NM_144966.7).
Identifiers: ClinVar variation 737325 (VCV000737325.13), dbSNP rs60091943, ClinGen allele CA4990130.

ClinVar aggregate classification (germline): Benign/Likely benign. Review status: criteria provided, multiple submitters, no conflicts (2 of 4 stars). 3 submissions from 3 submitters: Benign (1); Likely benign (1). 1 of the submissions does not count toward it. Last evaluated 2025-11-11.

Conditions:
BNAR syndrome. Also called: Bifid Nose With or Without Anorectal and Renal Anomalies (BNAR) Syndrome. Identifiers: Orphanet 217266, MedGen C2750433, MONDO:0012165, OMIM 608980.
Oculotrichoanal syndrome (MOTA). Also called: MARLES SYNDROME; Manitoba Oculotrichoanal (MOTA) Syndrome. Identifiers: Orphanet 2717, MedGen C1855425, MONDO:0009560, OMIM 248450.
Trigonocephaly 2 (TRIGNO2). Identifiers: Orphanet 3366, MedGen C3280974, MONDO:0013774, OMIM 614485.
FREM1-related disorder. Also called: FREM1-Related Disorders; FREM1-related condition.

Allele frequency attached by ClinVar (database versions not stated): 1000 Genomes Project 0.00160; TOPMed 0.00163; 1000 Genomes Project 30x 0.00250; ESP Exome Variant Server 0.00187.

Submissions (3):

Labcorp Genetics (formerly Invitae), Labcorp
Classification: Benign. Last evaluated: 2025-11-11. Review status: criteria provided, single submitter. Criteria: Invitae Variant Classification Sherloc (09022015). Collection method: clinical testing. Allele origin: germline.

Fulgent Genetics
Classification: Likely benign for Oculotrichoanal syndrome; BNAR syndrome; Trigonocephaly 2. Last evaluated: 2021-11-12. Review status: criteria provided, single submitter. Criteria: ACMG Guidelines, 2015. Collection method: clinical testing. Allele origin: unknown.

PreventionGenetics, part of Exact Sciences
Classification: Likely benign for FREM1-related condition. Last evaluated: 2019-06-20. Review status: no assertion criteria provided. Collection method: clinical testing. Allele origin: germline. Not counted in ClinVar's aggregate classification.
Comment: This variant is classified as likely benign based on ACMG/AMP sequence variant interpretation guidelines (Richards et al. 2015 PMID: 25741868, with internal and published modifications).